The following is an entry in ClinVar:

ClinVar aggregate classification (germline): Uncertain significance (1 of 4 stars; one submission).

Submission:

GeneDx
Classification: Uncertain significance. Last evaluated: 2026-04-04. Review status: criteria provided, single submitter. Criteria: GeneDx Variant Classification Process June 2021. Collection method: clinical testing. Allele origin: germline.
Comment: Not observed at significant frequency in large population cohorts (gnomAD); In silico analysis supports that this missense variant has a deleterious effect on protein structure/function; Has not been previously published as pathogenic or benign to our knowledge

NM_001162501.2(TNRC6B):c.3669T>G (p.Ser1223Arg)

Gene: TNRC6B (trinucleotide repeat containing adaptor 6B; plus strand). Cytogenetic location: 22q13.1.
Variant type: single nucleotide variant.
Coding change: c.3669T>G on transcript NM_001162501.2 (MANE Select); coding-DNA position 3669, T replaced by G.
Protein change: p.Ser1223Arg; replaces serine 1223 with arginine.
Molecular consequence: missense variant.
Genome position (GRCh38, 1-based): chr22:40,285,731, T>G. VCF-style: chr22-40285731-T-G. GRCh37 (hg19) VCF-style: chr22-40681735-T-G.
Other names: c.1257T>G, p.Ser419Arg (NM_001024843.2); c.3339T>G, p.Ser1113Arg (NM_015088.3); short protein forms S1113R, S1223R, S419R.
Identifiers: ClinVar variation 3769969 (VCV003769969.2).